The following is an entry in ClinVar:

ClinVar aggregate classification (germline): Likely benign (0 of 4 stars; one submission).

Conditions:
ATL3-related disorder. Also called: ATL3-related condition.

Submission:

PreventionGenetics, part of Exact Sciences
Classification: Likely benign for ATL3-related condition. Last evaluated: 2019-07-02. Review status: no assertion criteria provided. Collection method: clinical testing. Allele origin: germline.
Comment: This variant is classified as likely benign based on ACMG/AMP sequence variant interpretation guidelines (Richards et al. 2015 PMID: 25741868, with internal and published modifications).

NM_015459.5(ATL3):c.406-3del

Genes: ATL3 (atlastin GTPase 3; minus strand), LNCROPM (lncRNA regulator of PLAAT3 mediated phospholipid metabolism; plus strand). Cytogenetic location: 11q13.1.
Variant type: Deletion.
Coding change: c.406-3del on transcript NM_015459.5 (MANE Select); 3 bases into the intron before coding-DNA position 406, one base deleted (T; older notation c.406-3delT).
Molecular consequence: intron variant.
Genome position (GRCh38, 1-based): chr11:63,652,578, A deleted on the plus strand (T on the coding strand, the reverse complement: ATL3 is on the minus strand); the first of 8 consecutive A bases (chr11:63,652,578-63,652,585); deleting any one gives the same sequence. VCF-style (leftmost placement, unchanged base first): chr11-63652577-TA-T. GRCh37 (hg19) VCF-style: chr11-63420049-TA-T.
Other names: c.352-3del (NM_001290048.2).
Identifiers: ClinVar variation 3042504 (VCV003042504.2), dbSNP rs759079163, ClinGen allele CA6063793.